The following is an entry in ClinVar:

ClinVar aggregate classification (germline): Uncertain significance (1 of 4 stars; one submission).

Submission:

GeneDx
Classification: Uncertain significance. Last evaluated: 2023-07-11. Review status: criteria provided, single submitter. Criteria: GeneDx Variant Classification Process June 2021. Collection method: clinical testing. Allele origin: germline. Affected: yes.
Comment: Not observed at significant frequency in large population cohorts (gnomAD); In silico analysis supports that this missense variant has a deleterious effect on protein structure/function; Has not been previously published as pathogenic or benign to our knowledge

NM_001271.4(CHD2):c.824G>A (p.Gly275Glu)

Gene: CHD2 (chromodomain helicase DNA binding protein 2; plus strand). Cytogenetic location: 15q26.1.
Variant type: single nucleotide variant.
Coding change: c.824G>A on transcript NM_001271.4 (MANE Select); coding-DNA position 824, G replaced by A.
Protein change: p.Gly275Glu; replaces glycine 275 with glutamic acid.
Molecular consequence: missense variant.
Genome position (GRCh38, 1-based): chr15:92,941,953, G>A. VCF-style: chr15-92941953-G-A. GRCh37 (hg19) VCF-style: chr15-93485183-G-A.
Other names: c.824G>A, p.Gly275Glu (NM_001042572.3); short protein forms G275E.
Identifiers: ClinVar variation 3342741 (VCV003342741.1).